The following is an entry in ClinVar:

Conditions:
Long QT syndrome 5 (LQT5). Identifiers: Orphanet 101016, Orphanet 768, MedGen C1867904, MONDO:0013372, OMIM 613695.

Submission:

Roden Lab, Vanderbilt University Medical Center
No classification provided (evidence only). Condition: Long QT syndrome 5. Review status: no classification provided. Collection method: in vitro. Allele origin: not applicable. Functional consequence: Effect on ion channel function.
ClinVar note: "not provided" was previously submitted as the classification for the variant. However, the classification appeared to be based only on an observation of functional data so it was converted to no classification on 2025-07-30.

NM_000219.6(KCNE1):c.361C>G (p.His121Asp)

Gene: KCNE1 (potassium voltage-gated channel subfamily E regulatory subunit 1; minus strand). Cytogenetic location: 21q22.12.
Variant type: single nucleotide variant.
Coding change: c.361C>G on transcript NM_000219.6 (MANE Select); coding-DNA position 361, C replaced by G.
Protein change: p.His121Asp; replaces histidine 121 with aspartic acid.
Molecular consequence: missense variant.
Genome position (GRCh38, 1-based): chr21:34,449,274, G>C on the plus strand (C>G on the coding strand, the complement: KCNE1 is on the minus strand). VCF-style: chr21-34449274-G-C. GRCh37 (hg19) VCF-style: chr21-35821572-G-C.
Other names: c.361C>G, p.His121Asp (NM_001127668.4, NM_001127669.4, NM_001127670.4 and 4 more transcripts); short protein forms H121D.
Identifiers: ClinVar variation 3373814 (VCV003373814.2).